The following is an entry in ClinVar:

ClinVar aggregate classification (germline): Likely pathogenic (1 of 4 stars; one submission).

Conditions:
von Willebrand disorder (VWD). Also called: von Willebrand Diseases; Von Willebrand disease (hereditary or acquired); von Willebrand's disease. Identifiers: MedGen C0042974, MeSH D014842, MONDO:0024574.

gnomAD v4.1: 3 of 1,613,594 alleles (0.00019%); highest among the groups gnomAD compares: African/African-American, 0.004%; no homozygotes.

Submission:

Women's Health and Genetics/Laboratory Corporation of America, LabCorp
Classification: Likely pathogenic for von Willebrand disorder. Last evaluated: 2026-05-08. Review status: criteria provided, single submitter. Criteria: LabCorp Variant Classification Summary - May 2015. Collection method: clinical testing. Allele origin: germline.
Comment: Variant summary: VWF c.7548+1G>A is located in a canonical splice-site and is predicted to affect mRNA splicing resulting in a significantly altered protein due to either exon skipping, shortening, or inclusion of intronic material. Variants that disrupt the consensus splice site are a relatively common cause of aberrant splicing and loss of VWF function. Several computational tools predict a significant impact on normal splicing: Two predict the variant abolishes a 5' splicing donor site. However, these predictions have yet to be confirmed by functional studies. The variant allele was found at a frequency of 8e-06 in 250946 control chromosomes. c.7548+1G>A has been observed in an individual affected with unspecified phenotype in a large cohort study for secondary ACMG and non-ACMG genetic findings (Saeidian_2024). These report(s) do not provide unequivocal conclusions about association of the variant with Von Willebrand Disease. To our knowledge, no experimental evidence demonstrating an impact on protein function has been reported. The following publication have been ascertained in the context of this evaluation (PMID: 39096151). No submitters have cited clinical-significance assessments for this variant to ClinVar. Based on the evidence outlined above, the variant was classified as likely pathogenic.

Literature cited by the submitters: PubMed 39096151.

NM_000552.5(VWF):c.7548+1G>A

Gene: VWF (von Willebrand factor; minus strand). Cytogenetic location: 12p13.31.
Variant type: single nucleotide variant.
Coding change: c.7548+1G>A on transcript NM_000552.5 (MANE Select); the canonical splice donor site of the intron after coding-DNA position 7548, G replaced by A.
Molecular consequence: splice donor variant.
Genome position (GRCh38, 1-based): chr12:5,971,598, C>T on the plus strand (G>A on the coding strand, the complement: VWF is on the minus strand). VCF-style: chr12-5971598-C-T. GRCh37 (hg19) VCF-style: chr12-6080764-C-T.
Identifiers: ClinVar variation 4853437 (VCV004853437.1).
Genomic context (GRCh38, chr12:5,971,598, plus strand): 5'-ACGCTGGTCCCTGGAGTGGCCCCAATCTGCCCTCCTCCCCGTCCCGGGGGCCTGGACCTA[C>T]ACTCTTCCAGGAAGACTGGGAGTCCCCCCGCGGTGAGCCAGTCACCACCTCACAGGCAGA-3'